The following is an entry in ClinVar:

NM_020436.5(SALL4):c.1277A>G (p.Lys426Arg)

Gene: SALL4 (spalt like transcription factor 4; minus strand). Cytogenetic location: 20q13.2.
Variant type: single nucleotide variant.
Coding change: c.1277A>G on transcript NM_020436.5 (MANE Select); coding-DNA position 1277, A replaced by G.
Protein change: p.Lys426Arg; replaces lysine 426 with arginine.
Molecular consequence: missense variant. On other transcripts: intron variant (1).
Genome position (GRCh38, 1-based): chr20:51,791,206, T>C on the plus strand (A>G on the coding strand, the complement: SALL4 is on the minus strand). VCF-style: chr20-51791206-T-C. GRCh37 (hg19) VCF-style: chr20-50407745-T-C.
Other names: c.1150+127A>G (NM_001318031.2); short protein forms K426R.
Identifiers: ClinVar variation 2831583 (VCV002831583.3), dbSNP rs2122964058, ClinGen allele CA409011220.

ClinVar aggregate classification (germline): Uncertain significance (1 of 4 stars; one submission).

Conditions:
Duane-radial ray syndrome (DRRS). Also called: ACRORENOOCULAR SYNDROME; DR SYNDROME; DUANE ANOMALY WITH RADIAL RAY ABNORMALITIES AND DEAFNESS; Okihiro Syndrome; Duane-Radial Ray Syndrome/Okihiro Syndrome; Duane-Radial Ray Syndrome (DRRS) / Okihiro Syndrome. Identifiers: Orphanet 93293, Orphanet 959, MedGen C1623209, MONDO:0011812, OMIM 607323. Disease mechanism: gain of function.

Submission:

Labcorp Genetics (formerly Invitae), Labcorp
Classification: Uncertain significance for Duane-radial ray syndrome. Last evaluated: 2023-11-27. Review status: criteria provided, single submitter. Criteria: Invitae Variant Classification Sherloc (09022015). Collection method: clinical testing. Allele origin: germline.
Comment: This sequence change replaces lysine, which is basic and polar, with arginine, which is basic and polar, at codon 426 of the SALL4 protein (p.Lys426Arg). This variant is not present in population databases (gnomAD no frequency). This variant has not been reported in the literature in individuals affected with SALL4-related conditions. An algorithm developed to predict the effect of missense changes on protein structure and function (PolyPhen-2) suggests that this variant is likely to be disruptive. In summary, the available evidence is currently insufficient to determine the role of this variant in disease. Therefore, it has been classified as a Variant of Uncertain Significance.